The following is an entry in ClinVar:

ClinVar aggregate classification (germline): Benign (1 of 4 stars; one submission).

Conditions:
Multiple endocrine neoplasia, type 1 (MEN1). Also called: MEN I; WERMER SYNDROME; Endocrine adenomatosis multiple; MEN 1; MEA I. Identifiers: Orphanet 652, MedGen C0025267, MeSH D018761, MONDO:0007540, OMIM 131100.

Submission:

Myriad Genetics, Inc.
Classification: Benign for Multiple endocrine neoplasia, type 1. Last evaluated: 2024-10-31. Review status: criteria provided, single submitter. Criteria: Myriad Autosomal Dominant, Autosomal Recessive and X-Linked Classification Criteria (2023). Collection method: clinical testing. Allele origin: unknown.
Comment: This variant is considered benign. This variant is a silent/synonymous amino acid change and it is not expected to impact splicing.

NM_001370259.2(MEN1):c.48C>A (p.Ile16=)

Gene: MEN1 (menin 1; minus strand). Cytogenetic location: 11q13.1.
Variant type: single nucleotide variant.
Coding change: c.48C>A on transcript NM_001370259.2 (MANE Select); coding-DNA position 48, C replaced by A.
Protein change: p.Ile16=; no amino-acid change (isoleucine 16 retained).
Molecular consequence: synonymous variant. On other transcripts: non-coding transcript variant (4).
Genome position (GRCh38, 1-based): chr11:64,810,062, G>T on the plus strand (C>A on the coding strand, the complement: MEN1 is on the minus strand). VCF-style: chr11-64810062-G-T. GRCh37 (hg19) VCF-style: chr11-64577534-G-T.
Other names: c.48C>A, p.Ile16= (NM_000244.4, NM_001370251.2, NM_001370260.2 and 20 more transcripts).
Identifiers: ClinVar variation 3773445 (VCV003773445.1).